The following is an entry in ClinVar:

NM_015072.5(TTLL5):c.3510_3519del (p.Ala1171fs)

Gene: TTLL5 (tubulin tyrosine ligase like 5; plus strand). Cytogenetic location: 14q24.3.
Variant type: Deletion.
Coding change: c.3510_3519del on transcript NM_015072.5 (MANE Select); coding-DNA positions 3510 to 3519, 10 bases deleted (AGCCCGGCAC; older notation c.3510_3519delAGCCCGGCAC).
Protein change: p.Ala1171fs; shifts the reading frame from alanine 1171.
Molecular consequence: frameshift variant.
Genome position (GRCh38, 1-based): chr14:75,863,850-75,863,859, AGCCCGGCAC deleted. VCF-style (leftmost placement, unchanged base first): chr14-75863849-GAGCCCGGCAC-G. GRCh37 (hg19) VCF-style: chr14-76330192-GAGCCCGGCAC-G.
Other names: short protein forms A1171fs.
Identifiers: ClinVar variation 1401139 (VCV001401139.6), dbSNP rs2030237603, ClinGen allele CA964818240.

ClinVar aggregate classification (germline): Pathogenic (1 of 4 stars; one submission).

Allele frequency attached by ClinVar (database versions not stated): gnomAD 0.00001.

Submission:

Labcorp Genetics (formerly Invitae), Labcorp
Classification: Pathogenic. Last evaluated: 2021-08-23. Review status: criteria provided, single submitter. Criteria: Invitae Variant Classification Sherloc (09022015). Collection method: clinical testing. Allele origin: germline.
Comment: This sequence change creates a premature translational stop signal (p.Ala1171Argfs*17) in the TTLL5 gene. It is expected to result in an absent or disrupted protein product. Loss-of-function variants in TTLL5 are known to be pathogenic (PMID: 24791901, 27162334). This variant is not present in population databases (ExAC no frequency). This variant has not been reported in the literature in individuals affected with TTLL5-related conditions. For these reasons, this variant has been classified as Pathogenic.

Literature cited by the submitters: PubMed 24791901; PubMed 27162334.